The following is an entry in ClinVar:

NM_015046.7(SETX):c.4885A>G (p.Lys1629Glu)

Gene: SETX (senataxin; minus strand). Cytogenetic location: 9q34.13.
Variant type: single nucleotide variant.
Coding change: c.4885A>G on transcript NM_015046.7 (MANE Select); coding-DNA position 4885, A replaced by G.
Protein change: p.Lys1629Glu; replaces lysine 1629 with glutamic acid.
Molecular consequence: missense variant.
Genome position (GRCh38, 1-based): chr9:132,326,713, T>C on the plus strand (A>G on the coding strand, the complement: SETX is on the minus strand). VCF-style: chr9-132326713-T-C. GRCh37 (hg19) VCF-style: chr9-135202100-T-C.
Other names: c.4885A>G, p.Lys1629Glu (NM_001351527.2, NM_001351528.2); short protein forms K1629E.
Identifiers: ClinVar variation 1478151 (VCV001478151.6), dbSNP rs1362908917, ClinGen allele CA375323579.
Genomic context (GRCh38, chr9:132,326,713, plus strand): 5'-CTGGCTTCTGAGCTATGAGGGGAACTGGCTGTGGTACTTTCAAAATCGACTGTATCCCCT[T>C]TGACTTATTTTTTAGAGACGGTGAAAGTGCTGAAGAAGTTTCCAAAGATTTAGAAAGACC-3'
Protein context (NP_055861.3, residues 1619-1639): ALSPSLKNKS[Lys1629Glu]GIQSILKVPQ

ClinVar aggregate classification (germline): Uncertain significance (1 of 4 stars; one submission).

Conditions:
Amyotrophic lateral sclerosis type 4 (ALS4). Also called: AMYOTROPHIC LATERAL SCLEROSIS 4, JUVENILE; NEURONOPATHY, DISTAL HEREDITARY MOTOR, WITH PYRAMIDAL FEATURES. Identifiers: Orphanet 357043, MedGen C1865409, MONDO:0011223, OMIM 602433.
Spinocerebellar ataxia, autosomal recessive, with axonal neuropathy 2 (SCAN2). Also called: Ataxia with Oculomotor Apraxia Type 2; Ataxia with Oculomotor Apraxia; Ataxia-ocular apraxia-2; ATAXIA-OCULOMOTOR APRAXIA 2. Identifiers: Orphanet 64753, MedGen C1853761, MONDO:0018996, OMIM 606002.

Allele frequency attached by ClinVar (database versions not stated): gnomAD exomes below 0.00001; TOPMed below 0.00001; gnomAD 0.00001.
gnomAD v4.1: 3 of 1,614,062 alleles (0.00019%); highest among the groups gnomAD compares: Non-Finnish European, 0.00025%; no homozygotes.

Submission:

Labcorp Genetics (formerly Invitae), Labcorp
Classification: Uncertain significance for Amyotrophic lateral sclerosis type 4; Spinocerebellar ataxia, autosomal recessive, with axonal neuropathy 2. Last evaluated: 2024-11-27. Review status: criteria provided, single submitter. Criteria: Invitae Variant Classification Sherloc (09022015). Collection method: clinical testing. Allele origin: germline.
Comment: This sequence change replaces lysine, which is basic and polar, with glutamic acid, which is acidic and polar, at codon 1629 of the SETX protein (p.Lys1629Glu). This variant is not present in population databases (gnomAD no frequency). This variant has not been reported in the literature in individuals affected with SETX-related conditions. ClinVar contains an entry for this variant (Variation ID: 1478151). Invitae Evidence Modeling of protein sequence and biophysical properties (such as structural, functional, and spatial information, amino acid conservation, physicochemical variation, residue mobility, and thermodynamic stability) indicates that this missense variant is not expected to disrupt SETX protein function with a negative predictive value of 95%. In summary, the available evidence is currently insufficient to determine the role of this variant in disease. Therefore, it has been classified as a Variant of Uncertain Significance.